The following is an entry in ClinVar:

NM_001375765.1(GIGYF1):c.379G>A (p.Gly127Ser)

Gene: GIGYF1 (GRB10 interacting GYF protein 1; minus strand). Cytogenetic location: 7q22.1.
Variant type: single nucleotide variant.
Coding change: c.379G>A on transcript NM_001375765.1 (MANE Select); coding-DNA position 379, G replaced by A.
Protein change: p.Gly127Ser; replaces glycine 127 with serine.
Molecular consequence: missense variant. On other transcripts: non-coding transcript variant (1).
Genome position (GRCh38, 1-based): chr7:100,687,401, C>T on the plus strand (G>A on the coding strand, the complement: GIGYF1 is on the minus strand). VCF-style: chr7-100687401-C-T. GRCh37 (hg19) VCF-style: chr7-100285024-C-T.
Other names: NM_022574.4:c.379G>A; c.379G>A, p.Gly127Ser (NM_001375759.1, NM_001375760.1, NM_001375761.1 and 6 more transcripts); short protein forms G127S.
Identifiers: ClinVar variation 3041720 (VCV003041720.2), dbSNP rs546701097, ClinGen allele CA4389046.

ClinVar aggregate classification (germline): Likely benign (0 of 4 stars; one submission).

Conditions:
GIGYF1-related disorder. Also called: GIGYF1-related condition.

Allele frequency attached by ClinVar (database versions not stated): TOPMed 0.00002; gnomAD 0.00013; 1000 Genomes Project 30x 0.00016; gnomAD exomes 0.00018; 1000 Genomes Project 0.00020; ExAC 0.00035.
gnomAD v4.1: 280 of 1,613,372 alleles (0.017%); highest among the groups gnomAD compares: South Asian, 0.28%; 3 homozygotes.

Submission:

PreventionGenetics, part of Exact Sciences
Classification: Likely benign for GIGYF1-related condition. Last evaluated: 2019-05-08. Review status: no assertion criteria provided. Collection method: clinical testing. Allele origin: germline.
Comment: This variant is classified as likely benign based on ACMG/AMP sequence variant interpretation guidelines (Richards et al. 2015 PMID: 25741868, with internal and published modifications).